The following is an entry in ClinVar:

NM_006531.5(IFT88):c.1223C>G (p.Ser408Cys)

Gene: IFT88 (intraflagellar transport 88; plus strand). Cytogenetic location: 13q12.11.
Variant type: single nucleotide variant.
Coding change: c.1223C>G on transcript NM_006531.5 (MANE Select); coding-DNA position 1223, C replaced by G.
Protein change: p.Ser408Cys; replaces serine 408 with cysteine.
Molecular consequence: missense variant. On other transcripts: non-coding transcript variant (5).
Genome position (GRCh38, 1-based): chr13:20,625,773, C>G. VCF-style: chr13-20625773-C-G. GRCh37 (hg19) VCF-style: chr13-21199912-C-G.
Other names: c.1166C>G, p.Ser389Cys (NM_001318491.2, NM_001353575.2); c.1250C>G, p.Ser417Cys (NM_001318493.2, NM_001353565.2, NM_001353566.2 and 2 more transcripts); c.1223C>G, p.Ser408Cys (NM_001353568.2, NM_001353572.2); c.1148C>G, p.Ser383Cys (NM_001353569.2, NM_001353570.2, NM_001353576.2 and 1 more transcripts); c.1121C>G, p.Ser374Cys (NM_001353571.2, NM_001353578.2); c.1079C>G, p.Ser360Cys (NM_001353573.2); c.1064C>G, p.Ser355Cys (NM_001353574.2); c.590C>G, p.Ser197Cys (NM_001353579.2); short protein forms S197C, S360C, S374C, S383C, S355C, S408C, S389C, S417C.
Identifiers: ClinVar variation 1422215 (VCV001422215.6), dbSNP rs941518598, ClinGen allele CA246509805.

ClinVar aggregate classification (germline): Uncertain significance (1 of 4 stars; one submission).

Allele frequency attached by ClinVar (database versions not stated): TOPMed 0.00001.
gnomAD v4.1: 3 of 1,605,114 alleles (0.00019%); highest among the groups gnomAD compares: African/African-American, 0.0013%; no homozygotes.

Submission:

Labcorp Genetics (formerly Invitae), Labcorp
Classification: Uncertain significance. Last evaluated: 2024-11-04. Review status: criteria provided, single submitter. Criteria: Invitae Variant Classification Sherloc (09022015). Collection method: clinical testing. Allele origin: germline.
Comment: This sequence change replaces serine, which is neutral and polar, with cysteine, which is neutral and slightly polar, at codon 417 of the IFT88 protein (p.Ser417Cys). This variant is not present in population databases (gnomAD no frequency). This variant has not been reported in the literature in individuals affected with IFT88-related conditions. ClinVar contains an entry for this variant (Variation ID: 1422215). An algorithm developed to predict the effect of missense changes on protein structure and function (PolyPhen-2) suggests that this variant is likely to be disruptive. In summary, the available evidence is currently insufficient to determine the role of this variant in disease. Therefore, it has been classified as a Variant of Uncertain Significance.